The following is an entry in ClinVar:

ClinVar aggregate classification (germline): Uncertain significance. Review status: criteria provided, multiple submitters, no conflicts (2 of 4 stars). 3 submissions from 3 submitters: Uncertain significance (2). 1 of the submissions does not count toward it. Last evaluated 2023-02-11.

Conditions:
COLQ-related disorder. Also called: COLQ-related condition.
Congenital myasthenic syndrome 5. Identifiers: Orphanet 590, MedGen C1864233, MONDO:0011281, OMIM 603034.

Allele frequency attached by ClinVar (database versions not stated): gnomAD exomes 0.00003 and 0.00012; ExAC 0.00018; 1000 Genomes Project 30x 0.00031; gnomAD 0.00037 and 0.00041; 1000 Genomes Project 0.00040; TOPMed 0.00049; ESP Exome Variant Server 0.00085.
gnomAD v4.1: 106 of 1,614,006 alleles (0.0066%); highest among the groups gnomAD compares: African/African-American, 0.13%; no homozygotes.

Submissions (3):

Women's Health and Genetics/Laboratory Corporation of America, LabCorp
Classification: Uncertain significance. Last evaluated: 2023-02-11. Review status: criteria provided, single submitter. Criteria: LabCorp Variant Classification Summary - May 2015. Collection method: clinical testing. Allele origin: germline.

Labcorp Genetics (formerly Invitae), Labcorp
Classification: Uncertain significance for Congenital myasthenic syndrome 5. Last evaluated: 2022-07-29. Review status: criteria provided, single submitter. Criteria: Invitae Variant Classification Sherloc (09022015). Collection method: clinical testing. Allele origin: germline.
Comment: This sequence change falls in intron 14 of the COLQ gene. It does not directly change the encoded amino acid sequence of the COLQ protein. It affects a nucleotide within the consensus splice site. This variant is present in population databases (rs201227079, gnomAD 0.2%). This variant has not been reported in the literature in individuals affected with COLQ-related conditions. ClinVar contains an entry for this variant (Variation ID: 536245). Variants that disrupt the consensus splice site are a relatively common cause of aberrant splicing (PMID: 17576681, 9536098). Algorithms developed to predict the effect of sequence changes on RNA splicing suggest that this variant is not likely to affect RNA splicing. In summary, the available evidence is currently insufficient to determine the role of this variant in disease. Therefore, it has been classified as a Variant of Uncertain Significance.

PreventionGenetics, part of Exact Sciences
Classification: Likely benign for COLQ-related condition. Last evaluated: 2019-09-17. Review status: no assertion criteria provided. Collection method: clinical testing. Allele origin: germline. Not counted in ClinVar's aggregate classification.
Comment: This variant is classified as likely benign based on ACMG/AMP sequence variant interpretation guidelines (Richards et al. 2015 PMID: 25741868, with internal and published modifications).

Literature cited by the submitters: PubMed 17576681 (cited by Labcorp Genetics (formerly Invitae), Labcorp); PubMed 9536098 (cited by Labcorp Genetics (formerly Invitae), Labcorp).

NM_005677.4(COLQ):c.1074+4C>T

Gene: COLQ (collagen like tail subunit of asymmetric acetylcholinesterase; minus strand). Cytogenetic location: 3p25.1.
Variant type: single nucleotide variant.
Coding change: c.1074+4C>T on transcript NM_005677.4 (MANE Select); 4 bases into the intron after coding-DNA position 1074, C replaced by T.
Molecular consequence: intron variant.
Genome position (GRCh38, 1-based): chr3:15,456,456, G>A on the plus strand (C>T on the coding strand, the complement: COLQ is on the minus strand). VCF-style: chr3-15456456-G-A. GRCh37 (hg19) VCF-style: chr3-15497963-G-A.
Other names: c.972+4C>T (NM_080539.4); c.1044+4C>T (NM_080538.2).
Identifiers: ClinVar variation 536245 (VCV000536245.8), dbSNP rs201227079, ClinGen allele CA2275888.